The following is an entry in ClinVar:

ClinVar aggregate classification (germline): Likely benign (1 of 4 stars; one submission).

Allele frequency attached by ClinVar (database versions not stated): TOPMed 0.00011; gnomAD 0.00035; gnomAD exomes 0.00056; ExAC 0.00155; 1000 Genomes Project 30x 0.00281; 1000 Genomes Project 0.00300.
gnomAD v4.1: 874 of 1,611,024 alleles (0.054%); highest among the groups gnomAD compares: South Asian, 0.86%; 14 homozygotes.

Submission:

CeGaT Center for Human Genetics Tuebingen
Classification: Likely benign. Last evaluated: 2023-03-01. Review status: criteria provided, single submitter. Criteria: CeGaT Center For Human Genetics Tuebingen Variant Classification Criteria Version 2. Collection method: clinical testing. Allele origin: germline. Affected: yes. Observed: 1 variant allele.
Comment: GGT5: BP4, BP7, BS2

NM_004121.5(GGT5):c.1164G>A (p.Thr388=)

Gene: GGT5 (gamma-glutamyltransferase 5; minus strand). Cytogenetic location: 22q11.23.
Variant type: single nucleotide variant.
Coding change: c.1164G>A on transcript NM_004121.5 (MANE Select); coding-DNA position 1164, G replaced by A.
Protein change: p.Thr388=; no amino-acid change (threonine 388 retained).
Molecular consequence: synonymous variant.
Genome position (GRCh38, 1-based): chr22:24,226,141, C>T on the plus strand (G>A on the coding strand, the complement: GGT5 is on the minus strand). VCF-style: chr22-24226141-C-T. GRCh37 (hg19) VCF-style: chr22-24622109-C-T.
Other names: c.1164G>A, p.Thr388= (NM_001099781.2); c.1068G>A, p.Thr356= (NM_001099782.2, NM_001302464.1); c.933G>A, p.Thr311= (NM_001302465.1).
Identifiers: ClinVar variation 2652988 (VCV002652988.24), dbSNP rs531021500, ClinGen allele CA10151328.